The following is an entry in ClinVar:

ClinVar aggregate classification (germline): Pathogenic (1 of 4 stars; one submission).

Submission:

CeGaT Center for Human Genetics Tuebingen
Classification: Pathogenic. Last evaluated: 2025-06-01. Review status: criteria provided, single submitter. Criteria: CeGaT Center For Human Genetics Tuebingen Variant Classification Criteria Version 2. Collection method: clinical testing. Allele origin: germline. Affected: yes. Observed: 1 variant allele.
Comment: EFTUD2: PVS1, PM2

NM_004247.4(EFTUD2):c.1006del (p.Tyr336fs)

Gene: EFTUD2 (elongation factor Tu GTP binding domain containing 2; minus strand). Cytogenetic location: 17q21.31.
Variant type: Deletion.
Coding change: c.1006del on transcript NM_004247.4 (MANE Select); coding-DNA position 1006, one base deleted (T; older notation c.1006delT).
Protein change: p.Tyr336fs; shifts the reading frame from tyrosine 336.
Molecular consequence: frameshift variant.
Genome position (GRCh38, 1-based): chr17:44,868,339, A deleted on the plus strand (T on the coding strand, the reverse complement: EFTUD2 is on the minus strand); the first of 2 consecutive A bases (chr17:44,868,339-44,868,340); deleting either gives the same sequence. VCF-style (leftmost placement, unchanged base first): chr17-44868338-TA-T. GRCh37 (hg19) VCF-style: chr17-42945706-TA-T.
Other names: c.901del, p.Tyr301fs (NM_001142605.2); c.1006del, p.Tyr336fs (NM_001258353.2); c.976del, p.Tyr326fs (NM_001258354.2); short protein forms Y301fs, Y326fs, Y336fs.
Identifiers: ClinVar variation 3906013 (VCV003906013.10).